The following is an entry in ClinVar:

NM_206933.4(USH2A):c.14404T>G (p.Ser4802Ala)

Gene: USH2A (usherin; minus strand). Cytogenetic location: 1q41.
Variant type: single nucleotide variant.
Coding change: c.14404T>G on transcript NM_206933.4 (MANE Select); coding-DNA position 14404, T replaced by G.
Protein change: p.Ser4802Ala; replaces serine 4802 with alanine.
Molecular consequence: missense variant.
Genome position (GRCh38, 1-based): chr1:215,648,706, A>C on the plus strand (T>G on the coding strand, the complement: USH2A is on the minus strand). VCF-style: chr1-215648706-A-C. GRCh37 (hg19) VCF-style: chr1-215822048-A-C.
Other names: short protein forms S4802A.
Identifiers: ClinVar variation 1896954 (VCV001896954.6), dbSNP rs200375504, ClinGen allele CA37390431.
Genomic context (GRCh38, chr1:215,648,706, plus strand): 5'-GTTCAGCTGTCGGTCCTTTGCTGCAACAGTTGAAGCAGGTGCAGGCCTCTACTCCAATAG[A>C]GTAGTTAGTGAAGGCTTGAAGGCCATGGAGAGTCTGCTGGGTGGCCATGCCTTCGGATAG-3'
Protein context (NP_996816.3, residues 4792-4812): LHGLQAFTNY[Ser4802Ala]IGVEACTCFN

ClinVar aggregate classification (germline): Uncertain significance. Review status: criteria provided, multiple submitters, no conflicts (2 of 4 stars). 2 submissions from 2 submitters: Uncertain significance (2). Last evaluated 2022-10-11.

Allele frequency attached by ClinVar (database versions not stated): gnomAD exomes below 0.00001; gnomAD 0.00003; 1000 Genomes Project 30x 0.00016; 1000 Genomes Project 0.00020.
gnomAD v4.1: 10 of 1,614,154 alleles (0.00062%); highest among the groups gnomAD compares: African/African-American, 0.012%; no homozygotes.

Submissions (2):

Labcorp Genetics (formerly Invitae), Labcorp
Classification: Uncertain significance. Last evaluated: 2022-10-11. Review status: criteria provided, single submitter. Criteria: Invitae Variant Classification Sherloc (09022015). Collection method: clinical testing. Allele origin: germline.
Comment: This sequence change replaces serine, which is neutral and polar, with alanine, which is neutral and non-polar, at codon 4802 of the USH2A protein (p.Ser4802Ala). This variant is present in population databases (rs200375504, gnomAD 0.007%). This variant has not been reported in the literature in individuals affected with USH2A-related conditions. Advanced modeling of protein sequence and biophysical properties (such as structural, functional, and spatial information, amino acid conservation, physicochemical variation, residue mobility, and thermodynamic stability) performed at Invitae indicates that this missense variant is not expected to disrupt USH2A protein function. In summary, the available evidence is currently insufficient to determine the role of this variant in disease. Therefore, it has been classified as a Variant of Uncertain Significance.

Blueprint Genetics
Classification: Uncertain significance. Last evaluated: 2020-09-02. Review status: criteria provided, single submitter. Criteria: ACMG Guidelines, 2015. Collection method: clinical testing. Allele origin: germline.